The following is an entry in ClinVar:

NM_001035.3(RYR2):c.4700C>T (p.Ser1567Leu)

Gene: RYR2 (ryanodine receptor 2; plus strand). Cytogenetic location: 1q43.
Variant type: single nucleotide variant.
Coding change: c.4700C>T on transcript NM_001035.3 (MANE Select); coding-DNA position 4700, C replaced by T.
Protein change: p.Ser1567Leu; replaces serine 1567 with leucine.
Molecular consequence: missense variant.
Genome position (GRCh38, 1-based): chr1:237,610,778, C>T. VCF-style: chr1-237610778-C-T. GRCh37 (hg19) VCF-style: chr1-237774078-C-T.
Other names: short protein forms S1567L.
Identifiers: ClinVar variation 926712 (VCV000926712.17), dbSNP rs772008541, ClinGen allele CA086711.

ClinVar aggregate classification (germline): Uncertain significance. Review status: criteria provided, multiple submitters, no conflicts (2 of 4 stars). 4 submissions from 4 submitters: Uncertain significance (4). Last evaluated 2026-04-01.

Conditions:
Catecholaminergic polymorphic ventricular tachycardia (CVPT). Also called: Catecholamine-induced polymorphic ventricular tachycardia. Identifiers: Orphanet 3286, MedGen C5574922, MONDO:0017990.
Cardiomyopathy (CMYO). Also called: Cardiomyopathies. Identifiers: Orphanet 167848, MedGen C0878544, MONDO:0004994, HP:0001638. Inheritance: Various modes of inheritance.
Catecholaminergic polymorphic ventricular tachycardia 1. Also called: RYR2-Related Catecholaminergic Polymorphic Ventricular Tachycardia; VENTRICULAR TACHYCARDIA, STRESS-INDUCED POLYMORPHIC 1; VENTRICULAR TACHYCARDIA, CATECHOLAMINERGIC POLYMORPHIC, 1, WITH OR WITHOUT ATRIAL DYSFUNCTION AND/OR DILATED CARDIOMYOPATHY. Identifiers: Orphanet 3286, MedGen C1631597, MONDO:0011484, OMIM 604772.

Allele frequency attached by ClinVar (database versions not stated): gnomAD exomes below 0.00001 and 0.00001; TOPMed below 0.00001; ExAC 0.00002.
gnomAD v4.1: 5 of 1,605,008 alleles (0.00031%); highest among the groups gnomAD compares: Non-Finnish European, 0.00043%; no homozygotes.

Submissions (4):

CeGaT Center for Human Genetics Tuebingen
Classification: Uncertain significance. Last evaluated: 2026-04-01. Review status: criteria provided, single submitter. Criteria: CeGaT Center For Human Genetics Tuebingen Variant Classification Criteria Version 2. Collection method: clinical testing. Allele origin: germline. Affected: yes. Observed: 1 variant allele.
Comment: RYR2: PM2, PP3

Labcorp Genetics (formerly Invitae), Labcorp
Classification: Uncertain significance for Catecholaminergic polymorphic ventricular tachycardia 1. Last evaluated: 2025-11-23. Review status: criteria provided, single submitter. Criteria: Invitae Variant Classification Sherloc (09022015). Collection method: clinical testing. Allele origin: germline.
Comment: This sequence change replaces serine, which is neutral and polar, with leucine, which is neutral and non-polar, at codon 1567 of the RYR2 protein (p.Ser1567Leu). The frequency data for this variant in the population databases is considered unreliable, as metrics indicate poor data quality at this position in the gnomAD database. This variant has not been reported in the literature in individuals affected with RYR2-related conditions. ClinVar contains an entry for this variant (Variation ID: 926712). Invitae Evidence Modeling of protein sequence and biophysical properties (such as structural, functional, and spatial information, amino acid conservation, physicochemical variation, residue mobility, and thermodynamic stability) indicates that this missense variant is expected to disrupt RYR2 protein function with a positive predictive value of 95%. In summary, the available evidence is currently insufficient to determine the role of this variant in disease. Therefore, it has been classified as a Variant of Uncertain Significance.

Color Diagnostics, LLC DBA Color Health
Classification: Uncertain significance for Cardiomyopathy. Last evaluated: 2024-03-06. Review status: criteria provided, single submitter. Criteria: ACMG Guidelines, 2015. Collection method: clinical testing. Allele origin: germline.
Comment: This missense variant replaces serine with leucine at codon 1567 of the RYR2 protein. Computational prediction suggests that this variant may have deleterious impact on protein structure and function (internally defined REVEL score threshold >= 0.7, PMID: 27666373). To our knowledge, functional studies have not been reported for this variant. This variant has not been reported in individuals affected with RYR2-related disorders in the literature. This variant has been identified in 2/237518 chromosomes in the general population by the Genome Aggregation Database (gnomAD). The available evidence is insufficient to determine the role of this variant in disease conclusively. Therefore, this variant is classified as a Variant of Uncertain Significance.

All of Us Research Program, National Institutes of Health
Classification: Uncertain significance for Catecholaminergic polymorphic ventricular tachycardia. Last evaluated: 2023-06-26. Review status: criteria provided, single submitter. Criteria: ACMG Guidelines, 2015. Collection method: clinical testing. Allele origin: germline. Inheritance: Autosomal dominant inheritance. Observed: 2 variant alleles, 2 heterozygotes.
Comment: Variant of Uncertain Significance due to insufficient evidence: This missense variant replaces serine with leucine at codon 1567 of the RYR2 protein. Computational prediction tools and conservation analyses suggest that this variant may have deleterious impact on the protein function. Computational splicing tools suggest that this variant may not impact RNA splicing. To our knowledge, functional assays have not been performed for this variant nor has this variant been reported in individuals affected with cardiovascular disorders in the literature. This variant is rare in the general population and has been identified in 0/277264 chromosomes by the Genome Aggregation Database (gnomAD). Available evidence is insufficient to determine the pathogenicity of this variant conclusively.

This study involves interpretation of variants in research participants for the purpose of population health screening. Participant phenotype was not available at the time of variant classification. Additional details can be found in publication PMID: 35346344, PMCID: PMC8962531